The following is an entry in ClinVar:

ClinVar aggregate classification (germline): Uncertain significance (1 of 4 stars; one submission).

Allele frequency attached by ClinVar (database versions not stated): gnomAD exomes below 0.00001; TOPMed below 0.00001.
gnomAD v4.1: 1 of 1,613,778 alleles (0.000062%); highest among the groups gnomAD compares: Non-Finnish European, 0.000085%; no homozygotes.

Submission:

Labcorp Genetics (formerly Invitae), Labcorp
Classification: Uncertain significance. Last evaluated: 2022-08-31. Review status: criteria provided, single submitter. Criteria: Invitae Variant Classification Sherloc (09022015). Collection method: clinical testing. Allele origin: germline.
Comment: This sequence change replaces phenylalanine, which is neutral and non-polar, with leucine, which is neutral and non-polar, at codon 2333 of the DNAH9 protein (p.Phe2333Leu). In summary, the available evidence is currently insufficient to determine the role of this variant in disease. Therefore, it has been classified as a Variant of Uncertain Significance. Algorithms developed to predict the effect of sequence changes on RNA splicing suggest that this variant may create or strengthen a splice site. Algorithms developed to predict the effect of missense changes on protein structure and function are either unavailable or do not agree on the potential impact of this missense change (SIFT: "Deleterious"; PolyPhen-2: "Benign"; Align-GVGD: "Class C0"). This variant has not been reported in the literature in individuals affected with DNAH9-related conditions. This variant is not present in population databases (gnomAD no frequency).

NM_001372.4(DNAH9):c.6997T>C (p.Phe2333Leu)

Gene: DNAH9 (dynein axonemal heavy chain 9; plus strand). Cytogenetic location: 17p12.
Variant type: single nucleotide variant.
Coding change: c.6997T>C on transcript NM_001372.4 (MANE Select); coding-DNA position 6997, T replaced by C.
Protein change: p.Phe2333Leu; replaces phenylalanine 2333 with leucine.
Molecular consequence: missense variant.
Genome position (GRCh38, 1-based): chr17:11,763,441, T>C. VCF-style: chr17-11763441-T-C. GRCh37 (hg19) VCF-style: chr17-11666758-T-C.
Other names: short protein forms F2333L.
Identifiers: ClinVar variation 1714566 (VCV001714566.5), dbSNP rs1255860476, ClinGen allele CA398186415.